The following is an entry in ClinVar:

ClinVar aggregate classification (germline): Uncertain significance (1 of 4 stars; one submission).

Submission:

GeneDx
Classification: Uncertain significance. Last evaluated: 2023-06-07. Review status: criteria provided, single submitter. Criteria: GeneDx Variant Classification Process June 2021. Collection method: clinical testing. Allele origin: germline. Affected: yes.
Comment: Not observed at significant frequency in large population cohorts (gnomAD); In silico analysis supports that this missense variant has a deleterious effect on protein structure/function; Has not been previously published as pathogenic or benign to our knowledge

NM_001182.5(ALDH7A1):c.1222T>C (p.Tyr408His)

Gene: ALDH7A1 (aldehyde dehydrogenase 7 family member A1; minus strand). Cytogenetic location: 5q23.2.
Variant type: single nucleotide variant.
Coding change: c.1222T>C on transcript NM_001182.5 (MANE Select); coding-DNA position 1222, T replaced by C.
Protein change: p.Tyr408His; replaces tyrosine 408 with histidine.
Molecular consequence: missense variant.
Genome position (GRCh38, 1-based): chr5:126,552,116, A>G on the plus strand (T>C on the coding strand, the complement: ALDH7A1 is on the minus strand). VCF-style: chr5-126552116-A-G. GRCh37 (hg19) VCF-style: chr5-125887808-A-G.
Other names: c.1138T>C, p.Tyr380His (NM_001201377.2); c.1030T>C, p.Tyr344His (NM_001202404.2); short protein forms Y344H, Y380H, Y408H.
Identifiers: ClinVar variation 3362121 (VCV003362121.1).
Genomic context (GRCh38, chr5:126,552,116, plus strand): 5'-TCTCTGTGTGTGCAATGGACGCATCGTGGCCAAGACCTGTCACAATTGTCGGTTCTACAT[A>G]ATTTCCAGGGCGATCCATAACCTAATGCAGAGAAATGAAATAAAAAGAATGAAAGCATTT-3'
Protein context (NP_001173.2, residues 398-418): GGKVMDRPGN[Tyr408His]VEPTIVTGLG